The following is an entry in ClinVar:

ClinVar aggregate classification (germline): Uncertain significance (1 of 4 stars; one submission).

Conditions:
Hereditary cancer-predisposing syndrome. Also called: Hereditary Cancer Syndrome; Neoplastic Syndromes, Hereditary; Tumor predisposition; Hereditary neoplastic syndrome. Identifiers: Orphanet 140162, MedGen C0027672, MeSH D009386, MONDO:0015356.

Submission:

Ambry Genetics
Classification: Uncertain significance for Hereditary cancer-predisposing syndrome. Last evaluated: 2026-07-07. Review status: criteria provided, single submitter. Criteria: Ambry Variant Classification Scheme 2023. Collection method: clinical testing. Allele origin: germline.
Comment: The p.K1779T variant (also known as c.5336A>C), located in coding exon 23 of the DICER1 gene, results from an A to C substitution at nucleotide position 5336. The lysine at codon 1779 is replaced by threonine, an amino acid with similar properties. This amino acid position is conserved. In addition, this alteration is predicted to be deleterious by in silico analysis. Based on the available evidence, the clinical significance of this variant remains unclear.

NM_177438.3(DICER1):c.5336A>C (p.Lys1779Thr)

Gene: DICER1 (dicer 1, ribonuclease III; minus strand). Cytogenetic location: 14q32.13.
Variant type: single nucleotide variant.
Coding change: c.5336A>C on transcript NM_177438.3 (MANE Select); coding-DNA position 5336, A replaced by C.
Protein change: p.Lys1779Thr; replaces lysine 1779 with threonine.
Molecular consequence: missense variant. On other transcripts: non-coding transcript variant (6).
Genome position (GRCh38, 1-based): chr14:95,093,916, T>G on the plus strand (A>C on the coding strand, the complement: DICER1 is on the minus strand). VCF-style: chr14-95093916-T-G. GRCh37 (hg19) VCF-style: chr14-95560253-T-G.
Other names: c.5336A>C, p.Lys1779Thr (NM_001195573.1, NM_001271282.3, NM_001291628.2 and 8 more transcripts); c.5054A>C, p.Lys1685Thr (NM_001395686.1); c.4931A>C, p.Lys1644Thr (NM_001395687.1, NM_001395688.1, NM_001395689.1 and 1 more transcripts); c.4769A>C, p.Lys1590Thr (NM_001395691.1); c.3653A>C, p.Lys1218Thr (NM_001395697.1); short protein forms K1218T, K1685T, K1590T, K1779T, K1644T.
Identifiers: ClinVar variation 5035266 (VCV005035266.1).